The following is an entry in ClinVar:

ClinVar aggregate classification (germline): Uncertain significance (1 of 4 stars; one submission).

Allele frequency attached by ClinVar (database versions not stated): TOPMed below 0.00001; gnomAD 0.00001; gnomAD exomes 0.00001.

Submission:

Labcorp Genetics (formerly Invitae), Labcorp
Classification: Uncertain significance. Last evaluated: 2023-10-13. Review status: criteria provided, single submitter. Criteria: Invitae Variant Classification Sherloc (09022015). Collection method: clinical testing. Allele origin: germline.
Comment: This sequence change falls in intron 5 of the KCNK4 gene. It does not directly change the encoded amino acid sequence of the KCNK4 protein. This variant is not present in population databases (gnomAD no frequency). This variant has not been reported in the literature in individuals affected with KCNK4-related conditions. Algorithms developed to predict the effect of sequence changes on RNA splicing suggest that this variant may disrupt the consensus splice site. In summary, the available evidence is currently insufficient to determine the role of this variant in disease. Therefore, it has been classified as a Variant of Uncertain Significance.

NM_033310.3(KCNK4):c.662-13G>A

Genes: KCNK4 (potassium two pore domain channel subfamily K member 4; plus strand), KCNK4-CATSPERZ (KCNK4-CATSPERZ readthrough (NMD candidate); plus strand). Cytogenetic location: 11q13.1.
Variant type: single nucleotide variant.
Coding change: c.662-13G>A on transcript NM_033310.3 (MANE Select); 13 bases into the intron before coding-DNA position 662, G replaced by A.
Molecular consequence: intron variant.
Genome position (GRCh38, 1-based): chr11:64,298,097, G>A. VCF-style: chr11-64298097-G-A. GRCh37 (hg19) VCF-style: chr11-64065569-G-A.
Other names: c.662-13G>A (NM_001317090.2).
Identifiers: ClinVar variation 2968044 (VCV002968044.3), dbSNP rs1463140830, ClinGen allele CA599632351.